The following is an entry in ClinVar:

NM_001048174.2(MUTYH):c.264+1G>A

Gene: MUTYH (mutY DNA glycosylase; minus strand). Cytogenetic location: 1p34.1.
Variant type: single nucleotide variant.
Coding change: c.264+1G>A on transcript NM_001048174.2 (MANE Select); the canonical splice donor site of the intron after coding-DNA position 264, G replaced by A.
Molecular consequence: splice donor variant.
Genome position (GRCh38, 1-based): chr1:45,333,412, C>T on the plus strand (G>A on the coding strand, the complement: MUTYH is on the minus strand). VCF-style: chr1-45333412-C-T. GRCh37 (hg19) VCF-style: chr1-45799084-C-T.
Other names: c.264+1G>A (NM_001407072.1, NM_001048171.2, NM_001407070.1 and 6 more transcripts); c.-8+1G>A (NM_001350651.2, NM_001350650.2, NM_001407082.1); c.-13+1G>A (NM_001293192.2, NM_001293196.2, NM_001407091.1); c.306+1G>A (NM_001407073.1, NM_001407083.1, NM_001407085.1); c.309+1G>A (NM_001293190.2); c.339+1G>A (NM_001407069.1, NM_012222.3); c.348+1G>A (NM_001128425.2); c.267+1G>A (NM_001407071.1, NM_001407079.1, NM_001048172.2 and 2 more transcripts); and 3 more.
Identifiers: ClinVar variation 646649 (VCV000646649.7), dbSNP rs1553130042, ClinGen allele CA340136329.
Genomic context (GRCh38, chr1:45,333,412, plus strand): 5'-TAGGGTGGAGGGGGCTGGGTGCCTGCCTCCCACCCACTGTCCCTGCTCCTCGCCTGCCTA[C>T]CCGTCTTCTCCATGGTAGGTCCCGTTTCTCTTGGTCGTACCAGCTTAGCAGGCTCCCTCG-3'

ClinVar aggregate classification (germline): Likely pathogenic (1 of 4 stars; one submission).

Conditions:
Familial adenomatous polyposis 2. Also called: COLORECTAL ADENOMATOUS POLYPOSIS, AUTOSOMAL RECESSIVE; ADENOMAS, MULTIPLE COLORECTAL, AUTOSOMAL RECESSIVE; MUTYH-associated polyposis; MUTYH-related attenuated familial adenomatous polyposis; MUTYH Polyposis; Adenomas, multiple colorectal. Identifiers: Orphanet 220460, Orphanet 247798, MedGen C3272841, MONDO:0012041, OMIM 608456.

Submission:

Labcorp Genetics (formerly Invitae), Labcorp
Classification: Likely pathogenic for Familial adenomatous polyposis 2. Last evaluated: 2020-05-06. Review status: criteria provided, single submitter. Criteria: Invitae Variant Classification Sherloc (09022015). Collection method: clinical testing. Allele origin: germline.
Comment: In summary, the currently available evidence indicates that the variant is pathogenic, but additional data are needed to prove that conclusively. Therefore, this variant has been classified as Likely Pathogenic. Donor and acceptor splice site variants typically lead to a loss of protein function (PMID: 16199547), and loss-of-function variants in MUTYH are known to be pathogenic (PMID: 18534194, 20663686). This variant has not been reported in the literature in individuals with MUTYH-related disease. This variant is not present in population databases (ExAC no frequency). This sequence change affects a donor splice site in intron 3 of the MUTYH gene. It is expected to disrupt RNA splicing and likely results in an absent or disrupted protein product.

Literature cited by the submitters: PubMed 16199547; PubMed 18534194; PubMed 20663686.